The following is an entry in ClinVar:

NM_033637.4(BTRC):c.601G>A (p.Asp201Asn)

Gene: BTRC (beta-transducin repeat containing E3 ubiquitin protein ligase; plus strand). Cytogenetic location: 10q24.32.
Variant type: single nucleotide variant.
Coding change: c.601G>A on transcript NM_033637.4 (MANE Select); coding-DNA position 601, G replaced by A.
Protein change: p.Asp201Asn; replaces aspartic acid 201 with asparagine.
Molecular consequence: missense variant.
Genome position (GRCh38, 1-based): chr10:101,526,057, G>A. VCF-style: chr10-101526057-G-A. GRCh37 (hg19) VCF-style: chr10-103285814-G-A.
Other names: c.523G>A, p.Asp175Asn (NM_001256856.2); c.493G>A, p.Asp165Asn (NM_003939.5); short protein forms D165N, D175N, D201N.
Identifiers: ClinVar variation 4987909 (VCV004987909.1).

ClinVar aggregate classification (germline): Uncertain significance (1 of 4 stars; one submission).

Conditions:
BTRC-related disorder. Also called: BTRC-related condition.

gnomAD v4.1: 1 of 1,614,124 alleles (0.000062%); highest among the groups gnomAD compares: Non-Finnish European, 0.000085%; no homozygotes.

Submission:

PreventionGenetics, part of Exact Sciences
Classification: Uncertain significance for BTRC-related condition. Last evaluated: 2024-10-16. Review status: criteria provided, single submitter. Criteria: ACMG Guidelines, 2015. Collection method: clinical testing. Allele origin: germline.
Comment: The BTRC c.601G>A variant is predicted to result in the amino acid substitution p.Asp201Asn. To our knowledge, this variant has not been reported in the literature or in a large population database (gnomAD), indicating this variant is rare. At this time, the clinical significance of this variant is uncertain due to the absence of conclusive functional and genetic evidence.